The following is an entry in ClinVar:

NM_002471.4(MYH6):c.3479C>T (p.Ser1160Phe)

Gene: MYH6 (myosin heavy chain 6; minus strand). Cytogenetic location: 14q11.2.
Variant type: single nucleotide variant.
Coding change: c.3479C>T on transcript NM_002471.4 (MANE Select); coding-DNA position 3479, C replaced by T.
Protein change: p.Ser1160Phe; replaces serine 1160 with phenylalanine.
Molecular consequence: missense variant.
Genome position (GRCh38, 1-based): chr14:23,390,310, G>A on the plus strand (C>T on the coding strand, the complement: MYH6 is on the minus strand). VCF-style: chr14-23390310-G-A. GRCh37 (hg19) VCF-style: chr14-23859519-G-A.
Other names: short protein forms S1160F.
Identifiers: ClinVar variation 3400910 (VCV003400910.1).

ClinVar aggregate classification (germline): Uncertain significance (1 of 4 stars; one submission).

Conditions:
Cardiovascular phenotype. Identifiers: MedGen CN230736.

gnomAD v4.1: 1 of 1,606,610 alleles (0.000062%); highest among the groups gnomAD compares: African/African-American, 0.0013%; no homozygotes.

Submission:

Ambry Genetics
Classification: Uncertain significance for Cardiovascular phenotype. Last evaluated: 2024-12-09. Review status: criteria provided, single submitter. Criteria: Ambry Variant Classification Scheme 2023. Collection method: clinical testing. Allele origin: germline.
Comment: The p.S1160F variant (also known as c.3479C>T), located in coding exon 24 of the MYH6 gene, results from a C to T substitution at nucleotide position 3479. The serine at codon 1160 is replaced by phenylalanine, an amino acid with highly dissimilar properties. This amino acid position is conserved. In addition, the in silico prediction for this alteration is inconclusive. Based on the available evidence, the clinical significance of this variant remains unclear.